The following is an entry in ClinVar:

ClinVar aggregate classification (germline): Benign/Likely benign. Review status: criteria provided, multiple submitters, no conflicts (2 of 4 stars). 3 submissions from 3 submitters: Benign (1); Likely benign (2). Last evaluated 2024-05-24.

Conditions:
Hereditary cancer-predisposing syndrome. Also called: Neoplastic Syndromes, Hereditary; Tumor predisposition; Hereditary Cancer Syndrome; Hereditary neoplastic syndrome. Identifiers: Orphanet 140162, MedGen C0027672, MeSH D009386, MONDO:0015356.
Ataxia-telangiectasia syndrome (AT). Also called: Ataxia telangiectasia (A-T); ATAXIA-TELANGIECTASIA, COMPLEMENTATION GROUP A; ATAXIA-TELANGIECTASIA, FRESNO VARIANT; Ataxia-telangiectasia; Ataxia-telangiectasia, complementation group E; LOUIS-BAR SYNDROME. Identifiers: Orphanet 100, MedGen C0004135, MONDO:0008840, OMIM 208900.
Familial cancer of breast. Also called: Hereditary breast cancer; hereditary breast carcinoma; BREAST CANCER, FAMILIAL. Identifiers: Orphanet 227535, MedGen C0346153, MONDO:0016419, OMIM 114480. Disease mechanism: loss of function.

Allele frequency attached by ClinVar (database versions not stated): gnomAD exomes below 0.00001.
gnomAD v4.1: 3 of 1,613,578 alleles (0.00019%); highest among the groups gnomAD compares: South Asian, 0.0011%; no homozygotes.

Submissions (3):

Myriad Genetics, Inc.
Classification: Benign for Familial cancer of breast. Last evaluated: 2024-05-24. Review status: criteria provided, single submitter. Criteria: Myriad Autosomal Dominant, Autosomal Recessive and X-Linked Classification Criteria (2023). Collection method: clinical testing. Allele origin: unknown.
Comment: This variant is considered benign. This variant is a silent/synonymous amino acid change and it is not expected to impact splicing.

Labcorp Genetics (formerly Invitae), Labcorp
Classification: Likely benign for Ataxia-telangiectasia syndrome. Last evaluated: 2022-11-09. Review status: criteria provided, single submitter. Criteria: Invitae Variant Classification Sherloc (09022015). Collection method: clinical testing. Allele origin: germline.

Ambry Genetics
Classification: Likely benign for Hereditary cancer-predisposing syndrome. Last evaluated: 2022-01-15. Review status: criteria provided, single submitter. Criteria: Ambry Variant Classification Scheme 2023. Collection method: clinical testing. Allele origin: germline.

NM_000051.4(ATM):c.5871T>C (p.Tyr1957=)

Genes: ATM (ATM serine/threonine kinase; plus strand), C11orf65 (chromosome 11 open reading frame 65; minus strand). Cytogenetic location: 11q22.3.
Variant type: single nucleotide variant.
Coding change: c.5871T>C on transcript NM_000051.4 (MANE Select); coding-DNA position 5871, T replaced by C.
Protein change: p.Tyr1957=; no amino-acid change (tyrosine 1957 retained).
Molecular consequence: synonymous variant. On other transcripts: intron variant (2).
Genome position (GRCh38, 1-based): chr11:108,310,268, T>C. VCF-style: chr11-108310268-T-C. GRCh37 (hg19) VCF-style: chr11-108180995-T-C.
Other names: c.5871T>C, p.Tyr1957= (NM_001351834.2); c.641-1197A>G (NM_001330368.2); c.*39-1197A>G (NM_001351110.2).
Identifiers: ClinVar variation 1077998 (VCV001077998.12), dbSNP rs2136017191, ClinGen allele CA476675500.